The following is an entry in ClinVar:

NM_002439.5(MSH3):c.2257A>G (p.Met753Val)

Gene: MSH3 (mutS homolog 3; plus strand). Cytogenetic location: 5q14.1.
Variant type: single nucleotide variant.
Coding change: c.2257A>G on transcript NM_002439.5 (MANE Select); coding-DNA position 2257, A replaced by G.
Protein change: p.Met753Val; replaces methionine 753 with valine.
Molecular consequence: missense variant.
Genome position (GRCh38, 1-based): chr5:80,775,697, A>G. VCF-style: chr5-80775697-A-G. GRCh37 (hg19) VCF-style: chr5-80071516-A-G.
Other names: c.2257A>G (NM_002439.3); short protein forms M753V.
Identifiers: ClinVar variation 1060879 (VCV001060879.11), dbSNP rs1744285293, ClinGen allele CA360280671.

ClinVar aggregate classification (germline): Uncertain significance. Review status: criteria provided, multiple submitters, no conflicts (2 of 4 stars). 3 submissions from 3 submitters: Uncertain significance (3). Last evaluated 2024-11-27.

Conditions:
Hereditary cancer-predisposing syndrome. Also called: Neoplastic Syndromes, Hereditary; Hereditary Cancer Syndrome; Hereditary neoplastic syndrome; Tumor predisposition. Identifiers: Orphanet 140162, MedGen C0027672, MeSH D009386, MONDO:0015356.
Endometrial carcinoma. Also called: Endometrial carcinoma, somatic. Identifiers: MedGen C0476089, MONDO:0002447, OMIM 608089, HP:0012114.

Submissions (3):

Labcorp Genetics (formerly Invitae), Labcorp
Classification: Uncertain significance. Last evaluated: 2024-11-27. Review status: criteria provided, single submitter. Criteria: Invitae Variant Classification Sherloc (09022015). Collection method: clinical testing. Allele origin: germline.
Comment: This sequence change replaces methionine, which is neutral and non-polar, with valine, which is neutral and non-polar, at codon 753 of the MSH3 protein (p.Met753Val). This variant is not present in population databases (gnomAD no frequency). This variant has not been reported in the literature in individuals affected with MSH3-related conditions. ClinVar contains an entry for this variant (Variation ID: 1060879). An algorithm developed to predict the effect of missense changes on protein structure and function (PolyPhen-2) suggests that this variant is likely to be tolerated. In summary, the available evidence is currently insufficient to determine the role of this variant in disease. Therefore, it has been classified as a Variant of Uncertain Significance.

Ambry Genetics
Classification: Uncertain significance for Hereditary cancer-predisposing syndrome. Last evaluated: 2024-10-15. Review status: criteria provided, single submitter. Criteria: Ambry Variant Classification Scheme 2023. Collection method: clinical testing. Allele origin: germline.
Comment: The p.M753V variant (also known as c.2257A>G), located in coding exon 16 of the MSH3 gene, results from an A to G substitution at nucleotide position 2257. The methionine at codon 753 is replaced by valine, an amino acid with highly similar properties. This amino acid position is conserved. In addition, this alteration is predicted to be tolerated by in silico analysis. Based on the available evidence, the clinical significance of this variant remains unclear.

Baylor Genetics
Classification: Uncertain significance for Endometrial carcinoma. Last evaluated: 2023-08-25. Review status: criteria provided, single submitter. Criteria: ACMG Guidelines, 2015. Collection method: clinical testing. Allele origin: unknown.